The following is an entry in ClinVar:

NM_001374828.1(ARID1B):c.2032C>T (p.Gln678Ter)

Gene: ARID1B (AT-rich interaction domain 1B; plus strand). Cytogenetic location: 6q25.3.
Variant type: single nucleotide variant.
Coding change: c.2032C>T on transcript NM_001374828.1 (MANE Select); coding-DNA position 2032, C replaced by T.
Protein change: p.Gln678Ter; replaces glutamine 678 with a stop codon.
Molecular consequence: nonsense.
Genome position (GRCh38, 1-based): chr6:156,901,421, C>T. VCF-style: chr6-156901421-C-T. GRCh37 (hg19) VCF-style: chr6-157222555-C-T.
Other names: c.1783C>T, p.Gln595Ter (NM_001346813.1); c.2071C>T, p.Gln691Ter (NM_001371656.1, NM_001374820.1); c.2032C>T, p.Gln678Ter (NM_017519.3); c.1822C>T, p.Gln608Ter (NM_020732.3); c.1609C>T, p.Gln537Ter (NM_175863.2); short protein forms Q537*, Q595*, Q608*, Q678*, Q691*.
Identifiers: ClinVar variation 2575775 (VCV002575775.1), dbSNP rs1554265269, ClinGen allele CA366380701.
Genomic context (GRCh38, chr6:156,901,421, plus strand): 5'-TTGACTTTTTGACAGATGCCACCTCAGTATGGACAGCAAGGTGTGAGTGGTTACTGCCAG[C>T]AGGGCCAACAGCCATATTACAGCCAGCAGCCGCAGCCCCCGCACCTCCCACCCCAGGCGC-3'

ClinVar aggregate classification (germline): Pathogenic (1 of 4 stars; one submission).

Submission:

GeneDx
Classification: Pathogenic. Last evaluated: 2023-02-10. Review status: criteria provided, single submitter. Criteria: GeneDx Variant Classification Process June 2021. Collection method: clinical testing. Allele origin: germline. Affected: yes.
Comment: Nonsense variant predicted to result in protein truncation or nonsense mediated decay in a gene for which loss of function is a known mechanism of disease; Not observed at significant frequency in large population cohorts (gnomAD); This variant is associated with the following publications: (PMID: 30349098)